The following is an entry in ClinVar:

ClinVar aggregate classification (germline): Pathogenic (1 of 4 stars; one submission).

Submission:

GeneDx
Classification: Pathogenic. Last evaluated: 2019-06-17. Review status: criteria provided, single submitter. Criteria: GeneDx Variant Classification Process June 2021. Collection method: clinical testing. Allele origin: germline. Affected: yes.
Comment: Observed with c.5532+4A>G (reported as IVS64+4A>G) in a patient with recessive dystrophic epidermolysis bullosa in published literature, but it is not known whether the variants occurred on the same (in cis) or on different (in trans) chromosomes; Canonical splice site variant in a gene for which loss-of-function is a known mechanism of disease; Not observed in large population cohorts (Lek et al., 2016); Reported previously as 3005 dup 20 using alternate nomenclature; This variant is associated with the following publications: (PMID: 12558638)

NM_000094.4(COL7A1):c.2993-5_3007dup

Gene: COL7A1 (collagen type VII alpha 1 chain; minus strand). Cytogenetic location: 3p21.31.
Variant type: Duplication.
Coding change: c.2993-5_3007dup on transcript NM_000094.4 (MANE Select); 5 bases into the intron before coding-DNA position 2993 through coding-DNA position 3007, 20 bases duplicated (TGCAGAAGTGCCTGGGTCCC).
Molecular consequence: splice acceptor variant.
Genome position (GRCh38, 1-based): chr3:48,587,322-48,587,341, GGGACCCAGGCACTTCTGCA duplicated on the plus strand (TGCAGAAGTGCCTGGGTCCC on the coding strand, the reverse complement: COL7A1 is on the minus strand); duplicating any 20 consecutive bases within chr3:48,587,322-48,587,343 gives the same sequence; the c. name uses the placement nearest the transcript's 3' end. VCF-style (leftmost placement, unchanged base first): chr3-48587321-G-GGGGACCCAGGCACTTCTGCA. GRCh37 (hg19) VCF-style: chr3-48624754-G-GGGGACCCAGGCACTTCTGCA.
Identifiers: ClinVar variation 1219459 (VCV001219459.3), dbSNP rs2107756223, ClinGen allele CA2499216875.
Genomic context (GRCh38, chr3:48,587,321, plus strand): 5'-GAGACGCCAGGCTCTAGCCCTGTCACCCGCTGGGAGCTTGAGATCCCTGGAAGTGTCTGC[G>GGGGACCCAGGCACTTCTGCA]GGGACCCAGGCACTTCTGCAGGAGACAGAACTTGATTAAAAAGCTGTCTCCACAGAGCCC-3'